The following is an entry in ClinVar:

ClinVar aggregate classification (germline): Uncertain significance. Review status: criteria provided, multiple submitters, no conflicts (2 of 4 stars). 2 submissions from 2 submitters: Uncertain significance (2). Last evaluated 2023-12-05.

Conditions:
Hereditary cancer-predisposing syndrome. Also called: Hereditary Cancer Syndrome; Tumor predisposition; Neoplastic Syndromes, Hereditary; Hereditary neoplastic syndrome. Identifiers: Orphanet 140162, MedGen C0027672, MeSH D009386, MONDO:0015356.

Submissions (2):

Labcorp Genetics (formerly Invitae), Labcorp
Classification: Uncertain significance for Hereditary cancer-predisposing syndrome. Last evaluated: 2023-12-05. Review status: criteria provided, single submitter. Criteria: Invitae Variant Classification Sherloc (09022015). Collection method: clinical testing. Allele origin: germline.
Comment: This sequence change replaces aspartic acid, which is acidic and polar, with histidine, which is basic and polar, at codon 1294 of the RAD50 protein (p.Asp1294His). This variant is not present in population databases (gnomAD no frequency). This variant has not been reported in the literature in individuals affected with RAD50-related conditions. Advanced modeling of protein sequence and biophysical properties (such as structural, functional, and spatial information, amino acid conservation, physicochemical variation, residue mobility, and thermodynamic stability) performed at Invitae indicates that this missense variant is not expected to disrupt RAD50 protein function with a negative predictive value of 80%. In summary, the available evidence is currently insufficient to determine the role of this variant in disease. Therefore, it has been classified as a Variant of Uncertain Significance.

Ambry Genetics
Classification: Uncertain significance for Hereditary cancer-predisposing syndrome. Last evaluated: 2023-09-15. Review status: criteria provided, single submitter. Criteria: Ambry Variant Classification Scheme 2023. Collection method: clinical testing. Allele origin: germline.
Comment: The p.D1294H variant (also known as c.3880G>C), located in coding exon 25 of the RAD50 gene, results from a G to C substitution at nucleotide position 3880. The aspartic acid at codon 1294 is replaced by histidine, an amino acid with similar properties. This amino acid position is conserved. In addition, the in silico prediction for this alteration is inconclusive. Since supporting evidence is limited at this time, the clinical significance of this alteration remains unclear.

NM_005732.4(RAD50):c.3880G>C (p.Asp1294His)

Genes: RAD50 (RAD50 double strand break repair protein; plus strand), TH2LCRR (T helper type 2 locus control region associated RNA; minus strand). Cytogenetic location: 5q31.1.
Variant type: single nucleotide variant.
Coding change: c.3880G>C on transcript NM_005732.4 (MANE Select); coding-DNA position 3880, G replaced by C.
Protein change: p.Asp1294His; replaces aspartic acid 1294 with histidine.
Molecular consequence: missense variant.
Genome position (GRCh38, 1-based): chr5:132,642,305, G>C. VCF-style: chr5-132642305-G-C. GRCh37 (hg19) VCF-style: chr5-131977997-G-C.
Other names: c.3880G>C (NM_005732.3); short protein forms D1294H.
Identifiers: ClinVar variation 2729130 (VCV002729130.4), dbSNP rs587782339, ClinGen allele CA360937172.